The following is an entry in ClinVar:

NM_002878.4(RAD51D):c.151G>T (p.Val51Phe)

Genes: RAD51L3-RFFL (RAD51L3-RFFL readthrough; minus strand), RAD51D (RAD51 paralog D; minus strand). Cytogenetic location: 17q12.
Variant type: single nucleotide variant.
Coding change: c.151G>T on transcript NM_002878.4 (MANE Select); coding-DNA position 151, G replaced by T.
Protein change: p.Val51Phe; replaces valine 51 with phenylalanine.
Molecular consequence: missense variant. On other transcripts: intron variant (2).
Genome position (GRCh38, 1-based): chr17:35,118,613, C>A on the plus strand (G>T on the coding strand, the complement: RAD51D is on the minus strand). VCF-style: chr17-35118613-C-A. GRCh37 (hg19) VCF-style: chr17-33445632-C-A.
Other names: c.144+498G>T (NM_133629.3, NM_001142571.2); short protein forms V51F.
Identifiers: ClinVar variation 3666367 (VCV003666367.2).

ClinVar aggregate classification (germline): Uncertain significance (1 of 4 stars; one submission).

Conditions:
Breast-ovarian cancer, familial, susceptibility to, 4. Identifiers: Orphanet 145, MedGen C3280345, MONDO:0013669, OMIM 614291.

Submission:

Labcorp Genetics (formerly Invitae), Labcorp
Classification: Uncertain significance for Breast-ovarian cancer, familial, susceptibility to, 4. Last evaluated: 2024-11-13. Review status: criteria provided, single submitter. Criteria: Invitae Variant Classification Sherloc (09022015). Collection method: clinical testing. Allele origin: germline.
Comment: This sequence change replaces valine, which is neutral and non-polar, with phenylalanine, which is neutral and non-polar, at codon 51 of the RAD51D protein (p.Val51Phe). This variant is not present in population databases (gnomAD no frequency). This variant has not been reported in the literature in individuals affected with RAD51D-related conditions. Invitae Evidence Modeling of protein sequence and biophysical properties (such as structural, functional, and spatial information, amino acid conservation, physicochemical variation, residue mobility, and thermodynamic stability) indicates that this missense variant is not expected to disrupt RAD51D protein function with a negative predictive value of 80%. In summary, the available evidence is currently insufficient to determine the role of this variant in disease. Therefore, it has been classified as a Variant of Uncertain Significance.